The following is an entry in ClinVar:

NM_003742.4(ABCB11):c.151-9T>G

Gene: ABCB11 (ATP binding cassette subfamily B member 11; minus strand). Cytogenetic location: 2q31.1.
Variant type: single nucleotide variant.
Coding change: c.151-9T>G on transcript NM_003742.4 (MANE Select); 9 bases into the intron before coding-DNA position 151, T replaced by G.
Molecular consequence: intron variant.
Genome position (GRCh38, 1-based): chr2:169,013,519, A>C on the plus strand (T>G on the coding strand, the complement: ABCB11 is on the minus strand). VCF-style: chr2-169013519-A-C. GRCh37 (hg19) VCF-style: chr2-169870029-A-C.
Identifiers: ClinVar variation 1706606 (VCV001706606.2), dbSNP rs765860589, ClinGen allele CA2580064388.

ClinVar aggregate classification (germline): Uncertain significance. Review status: criteria provided, single submitter (1 of 4 stars). 2 submissions from 2 submitters: Uncertain significance (1). 1 of the submissions does not count toward it. Last evaluated 2026-04-14.

Conditions:
Familial intrahepatic cholestasis. Identifiers: Orphanet 284385, MedGen CN296401, MONDO:0017290.
Progressive familial intrahepatic cholestasis type 2. Identifiers: Orphanet 79304, MedGen C3489789, MONDO:0011156, OMIM 601847.

Submissions (2):

Genomenon, Inc
Classification: Uncertain significance for Familial intrahepatic cholestasis. Last evaluated: 2026-04-14. Review status: criteria provided, single submitter. Criteria: Genomenon Sequence Variant Interpretation Standards - Updated. Collection method: curation. Allele origin: germline. Affected: yes.
Comment: ABCB11 c.151-9T>G is an intronic variant located in the donor splice region of intron 4. This variant has been observed in at least one proband with an ABCB11-related disorder (PMID:38323732). It is absent or not present at a significant frequency in gnomAD. In silico models predict that this variant is possibly or probably damaging. In conclusion, we classify ABCB11 c.151-9T>G as a variant of uncertain significance.

Molecular Diagnostics Laboratory, Seoul National University Hospital
Classification: Likely pathogenic for Progressive familial intrahepatic cholestasis type 2. Review status: no assertion criteria provided. Collection method: clinical testing. Allele origin: unknown. Affected: yes. Not counted in ClinVar's aggregate classification.

Literature cited by the submitters: PubMed 38323732 (cited by Genomenon, Inc).